The following is an entry in ClinVar:

NM_201384.3(PLEC):c.662A>G (p.Gln221Arg)

Gene: PLEC (plectin; minus strand). Cytogenetic location: 8q24.3.
Variant type: single nucleotide variant.
Coding change: c.662A>G on transcript NM_201384.3 (MANE Select); coding-DNA position 662, A replaced by G.
Protein change: p.Gln221Arg; replaces glutamine 221 with arginine.
Molecular consequence: missense variant.
Genome position (GRCh38, 1-based): chr8:143,935,254, T>C on the plus strand (A>G on the coding strand, the complement: PLEC is on the minus strand). VCF-style: chr8-143935254-T-C. GRCh37 (hg19) VCF-style: chr8-145009422-T-C.
Other names: c.743A>G, p.Gln248Arg (NM_000445.5, NM_001410941.1); c.620A>G, p.Gln207Arg (NM_201378.4); c.596A>G, p.Gln199Arg (NM_201379.3); c.1073A>G, p.Gln358Arg (NM_201380.4); c.566A>G, p.Gln189Arg (NM_201381.3); c.662A>G, p.Gln221Arg (NM_201382.4); c.674A>G, p.Gln225Arg (NM_201383.3); short protein forms Q199R, Q207R, Q221R, Q248R, Q189R, Q225R, Q358R.
Identifiers: ClinVar variation 2543934 (VCV002543934.4), dbSNP rs1564153716, ClinGen allele CA372587671.
Genomic context (GRCh38, chr8:143,935,254, plus strand): 5'-GTACCCTCAGGGTCCAGGAGCCGCGTCACTCCCAGGTCCCGCTCCGCCACAGAGAAGGCC[T>C]GGTCCAGGTTCTCCAGGTTGGTCTGCCGGTACACCTTGTTCATGTCGATGAGCAGGGGCC-3'
Protein context (NP_958786.1, residues 211-231): YRQTNLENLD[Gln221Arg]AFSVAERDLG

ClinVar aggregate classification (germline): Uncertain significance. Review status: criteria provided, multiple submitters, no conflicts (2 of 4 stars). 2 submissions from 2 submitters: Uncertain significance (2). Last evaluated 2024-05-23.

Conditions:
Inborn genetic diseases. Identifiers: MedGen C0950123, MeSH D030342.
Autosomal recessive limb-girdle muscular dystrophy type 2Q (LGMDR17). Also called: MUSCULAR DYSTROPHY, LIMB-GIRDLE, AUTOSOMAL RECESSIVE 17. Identifiers: Orphanet 254361, MedGen C3150989, MONDO:0013390, OMIM 613723.
Epidermolysis bullosa simplex 5C, with pyloric atresia (EBS5C). Also called: PLEC1-Related Epidermolysis Bullosa with Pyloric Atresia; PLEC-Related Epidermolysis Bullosa with Pyloric Atresia; Epidermolysis bullosa simplex with pyloric atresia. Identifiers: Orphanet 158684, MedGen C2677349, MONDO:0012807, OMIM 612138.
Epidermolysis bullosa simplex 5B, with muscular dystrophy (EBS5B). Also called: EPIDERMOLYSIS BULLOSA SIMPLEX AND LIMB-GIRDLE MUSCULAR DYSTROPHY; Epidermolysis bullosa simplex with muscular dystrophy. Identifiers: Orphanet 257, MedGen C2931072, MONDO:0009181, OMIM 226670.
Epidermolysis bullosa simplex, Ogna type (EBS5A). Also called: Pidermolysis bullosa simplex 5A, Ogna type; EPIDERMOLYSIS BULLOSA SIMPLEX 5A, OGNA TYPE. Identifiers: Orphanet 79401, MedGen C0432317, MONDO:0007555, OMIM 131950.
Epidermolysis bullosa simplex with nail dystrophy (EBS5D). Identifiers: MedGen C4225309, MONDO:0014661, OMIM 616487.

Allele frequency attached by ClinVar (database versions not stated): gnomAD exomes 0.00001.
gnomAD v4.1: 9 of 1,612,070 alleles (0.00056%); highest among the groups gnomAD compares: Non-Finnish European, 0.00068%; no homozygotes.

Submissions (2):

Labcorp Genetics (formerly Invitae), Labcorp
Classification: Uncertain significance for Autosomal recessive limb-girdle muscular dystrophy type 2Q; Epidermolysis bullosa simplex, Ogna type; Epidermolysis bullosa simplex with nail dystrophy; Epidermolysis bullosa simplex 5C, with pyloric atresia; Epidermolysis bullosa simplex 5B, with muscular dystrophy. Last evaluated: 2024-05-23. Review status: criteria provided, single submitter. Criteria: Invitae Variant Classification Sherloc (09022015). Collection method: clinical testing. Allele origin: germline.
Comment: This sequence change replaces glutamine, which is neutral and polar, with arginine, which is basic and polar, at codon 248 of the PLEC protein (p.Gln248Arg). This variant is not present in population databases (gnomAD no frequency). This variant has not been reported in the literature in individuals affected with PLEC-related conditions. ClinVar contains an entry for this variant (Variation ID: 2543934). Advanced modeling of protein sequence and biophysical properties (such as structural, functional, and spatial information, amino acid conservation, physicochemical variation, residue mobility, and thermodynamic stability) performed at Invitae indicates that this missense variant is not expected to disrupt PLEC protein function with a negative predictive value of 80%. In summary, the available evidence is currently insufficient to determine the role of this variant in disease. Therefore, it has been classified as a Variant of Uncertain Significance.

Ambry Genetics
Classification: Uncertain significance for Inborn genetic diseases. Last evaluated: 2023-05-05. Review status: criteria provided, single submitter. Criteria: Ambry Variant Classification Scheme 2023. Collection method: clinical testing. Allele origin: germline.